The following is an entry in ClinVar:

ClinVar aggregate classification (germline): Uncertain significance. Review status: criteria provided, multiple submitters, no conflicts (2 of 4 stars). 2 submissions from 2 submitters: Uncertain significance (2). Last evaluated 2025-11-17.

Conditions:
Neutropenia, severe congenital, 2, autosomal dominant. Identifiers: Orphanet 486, MedGen C2751288, MONDO:0013139, OMIM 613107.

Allele frequency attached by ClinVar (database versions not stated): gnomAD exomes 0.00002; TOPMed 0.00002; ExAC 0.00005.

Submissions (2):

Labcorp Genetics (formerly Invitae), Labcorp
Classification: Uncertain significance for Neutropenia, severe congenital, 2, autosomal dominant. Last evaluated: 2025-11-17. Review status: criteria provided, single submitter. Criteria: Invitae Variant Classification Sherloc (09022015). Collection method: clinical testing. Allele origin: germline.
Comment: This sequence change replaces threonine, which is neutral and polar, with methionine, which is neutral and non-polar, at codon 215 of the GFI1 protein (p.Thr215Met). The frequency data for this variant in the population databases is considered unreliable, as metrics indicate poor data quality at this position in the gnomAD database. This variant has not been reported in the literature in individuals affected with GFI1-related conditions. ClinVar contains an entry for this variant (Variation ID: 2168604). Invitae Evidence Modeling of protein sequence and biophysical properties (such as structural, functional, and spatial information, amino acid conservation, physicochemical variation, residue mobility, and thermodynamic stability) indicates that this missense variant is not expected to disrupt GFI1 protein function with a negative predictive value of 80%. In summary, the available evidence is currently insufficient to determine the role of this variant in disease. Therefore, it has been classified as a Variant of Uncertain Significance.

Ambry Genetics
Classification: Uncertain significance. Last evaluated: 2025-08-22. Review status: criteria provided, single submitter. Criteria: Ambry Variant Classification Scheme 2023. Collection method: clinical testing. Allele origin: germline.

NM_005263.5(GFI1):c.644C>T (p.Thr215Met)

Gene: GFI1 (growth factor independent 1 transcriptional repressor; minus strand). Cytogenetic location: 1p22.1.
Variant type: single nucleotide variant.
Coding change: c.644C>T on transcript NM_005263.5 (MANE Select); coding-DNA position 644, C replaced by T.
Protein change: p.Thr215Met; replaces threonine 215 with methionine.
Molecular consequence: missense variant.
Genome position (GRCh38, 1-based): chr1:92,480,743, G>A on the plus strand (C>T on the coding strand, the complement: GFI1 is on the minus strand). VCF-style: chr1-92480743-G-A. GRCh37 (hg19) VCF-style: chr1-92946300-G-A.
Other names: c.644C>T, p.Thr215Met (NM_001127215.3, NM_001127216.3); short protein forms T215M.
Identifiers: ClinVar variation 2168604 (VCV002168604.6), dbSNP rs774015795, ClinGen allele CA951352.